The following is an entry in ClinVar:

ClinVar aggregate classification (germline): Uncertain significance. Review status: criteria provided, multiple submitters, no conflicts (2 of 4 stars). 2 submissions from 2 submitters: Uncertain significance (2). Last evaluated 2024-06-17.

Conditions:
Brown-Vialetto-van Laere syndrome 1. Also called: BROWN-VIALETTO-VAN LAERE SYNDROME 1, MILD; PONTOBULBAR PALSY WITH DEAFNESS; BULBAR PALSY, PROGRESSIVE, WITH SENSORINEURAL DEAFNESS. Identifiers: Orphanet 572550, Orphanet 97229, MedGen C0796274, MONDO:0024537, OMIM 211530.

Allele frequency attached by ClinVar (database versions not stated): gnomAD 0.00001; TOPMed 0.00001.
gnomAD v4.1: 17 of 1,614,058 alleles (0.0011%); highest among the groups gnomAD compares: East Asian, 0.0022%; no homozygotes.

Submissions (2):

Labcorp Genetics (formerly Invitae), Labcorp
Classification: Uncertain significance for Brown-Vialetto-van Laere syndrome 1. Last evaluated: 2024-06-17. Review status: criteria provided, single submitter. Criteria: Invitae Variant Classification Sherloc (09022015). Collection method: clinical testing. Allele origin: germline.
Comment: This sequence change replaces alanine, which is neutral and non-polar, with valine, which is neutral and non-polar, at codon 298 of the SLC52A3 protein (p.Ala298Val). This variant is present in population databases (rs543436922, gnomAD 0.004%). This variant has not been reported in the literature in individuals affected with SLC52A3-related conditions. ClinVar contains an entry for this variant (Variation ID: 543057). Advanced modeling of protein sequence and biophysical properties (such as structural, functional, and spatial information, amino acid conservation, physicochemical variation, residue mobility, and thermodynamic stability) performed at Invitae indicates that this missense variant is not expected to disrupt SLC52A3 protein function with a negative predictive value of 80%. In summary, the available evidence is currently insufficient to determine the role of this variant in disease. Therefore, it has been classified as a Variant of Uncertain Significance.

GeneDx
Classification: Uncertain significance. Last evaluated: 2021-09-29. Review status: criteria provided, single submitter. Criteria: GeneDx Variant Classification Process June 2021. Collection method: clinical testing. Allele origin: germline. Affected: yes.
Comment: Not observed at significant frequency in large population cohorts (Lek et al., 2016); In silico analysis supports that this missense variant does not alter protein structure/function; Has not been previously published as pathogenic or benign to our knowledge

NM_033409.4(SLC52A3):c.893C>T (p.Ala298Val)

Gene: SLC52A3 (solute carrier family 52 member 3; minus strand). Cytogenetic location: 20p13.
Variant type: single nucleotide variant.
Coding change: c.893C>T on transcript NM_033409.4 (MANE Select); coding-DNA position 893, C replaced by T.
Protein change: p.Ala298Val; replaces alanine 298 with valine.
Molecular consequence: missense variant.
Genome position (GRCh38, 1-based): chr20:763,678, G>A on the plus strand (C>T on the coding strand, the complement: SLC52A3 is on the minus strand). VCF-style: chr20-763678-G-A. GRCh37 (hg19) VCF-style: chr20-744322-G-A.
Other names: c.893C>T, p.Ala298Val (NM_001370085.1, NM_001370086.1); short protein forms A298V.
Identifiers: ClinVar variation 543057 (VCV000543057.9), dbSNP rs543436922, ClinGen allele CA9724658.